The following is an entry in ClinVar:

ClinVar aggregate classification (germline): Uncertain significance. Review status: criteria provided, multiple submitters, no conflicts (2 of 4 stars). 2 submissions from 2 submitters: Uncertain significance (2). Last evaluated 2024-10-29.

Conditions:
Inborn genetic diseases. Identifiers: MedGen C0950123, MeSH D030342.

Allele frequency attached by ClinVar (database versions not stated): ExAC 0.00001; gnomAD exomes 0.00001.
gnomAD v4.1: 19 of 1,613,722 alleles (0.0012%); highest among the groups gnomAD compares: South Asian, 0.0022%; no homozygotes.

Submissions (2):

Ambry Genetics
Classification: Uncertain significance for Inborn genetic diseases. Last evaluated: 2024-10-29. Review status: criteria provided, single submitter. Criteria: Ambry Variant Classification Scheme 2023. Collection method: clinical testing. Allele origin: germline.

Labcorp Genetics (formerly Invitae), Labcorp
Classification: Uncertain significance. Last evaluated: 2021-10-28. Review status: criteria provided, single submitter. Criteria: Invitae Variant Classification Sherloc (09022015). Collection method: clinical testing. Allele origin: germline.
Comment: In summary, the available evidence is currently insufficient to determine the role of this variant in disease. Therefore, it has been classified as a Variant of Uncertain Significance. Algorithms developed to predict the effect of missense changes on protein structure and function (SIFT, PolyPhen-2, Align-GVGD) all suggest that this variant is likely to be tolerated. This variant has not been reported in the literature in individuals affected with MMP14-related conditions. This variant is present in population databases (rs760473001, gnomAD 0.004%). This sequence change replaces glutamic acid, which is acidic and polar, with lysine, which is basic and polar, at codon 531 of the MMP14 protein (p.Glu531Lys).

NM_004995.4(MMP14):c.1591G>A (p.Glu531Lys)

Gene: MMP14 (matrix metallopeptidase 14; plus strand). Cytogenetic location: 14q11.2.
Variant type: single nucleotide variant.
Coding change: c.1591G>A on transcript NM_004995.4 (MANE Select); coding-DNA position 1591, G replaced by A.
Protein change: p.Glu531Lys; replaces glutamic acid 531 with lysine.
Molecular consequence: missense variant.
Genome position (GRCh38, 1-based): chr14:22,845,881, G>A. VCF-style: chr14-22845881-G-A. GRCh37 (hg19) VCF-style: chr14-23315090-G-A.
Other names: c.1591G>A (NM_004995.2); short protein forms E531K.
Identifiers: ClinVar variation 1500472 (VCV001500472.7), dbSNP rs760473001, ClinGen allele CA7105519.